The following is an entry in ClinVar:

ClinVar aggregate classification (germline): Uncertain significance. Review status: criteria provided, single submitter (1 of 4 stars). 2 submissions from 2 submitters: Uncertain significance (1). 1 of the submissions does not count toward it. Last evaluated 2026-03-17.

Conditions:
ACTC1-related disorder. Also called: ACTC1-related condition.

Submissions (2):

GeneDx
Classification: Uncertain significance. Last evaluated: 2026-03-17. Review status: criteria provided, single submitter. Criteria: GeneDx Variant Classification Process June 2021. Collection method: clinical testing. Allele origin: germline.
Comment: Not observed at significant frequency in large population cohorts (gnomAD); In silico analysis suggests that this missense variant does not alter protein structure/function; Has not been previously published as pathogenic or benign to our knowledge

PreventionGenetics, part of Exact Sciences
Classification: Uncertain significance for ACTC1-related condition. Last evaluated: 2024-08-21. Review status: no assertion criteria provided. Collection method: clinical testing. Allele origin: germline. Not counted in ClinVar's aggregate classification.
Comment: The ACTC1 c.40A>C variant is predicted to result in the amino acid substitution p.Asn14His. To our knowledge, this variant has not been reported in the literature or in a large population database, indicating this variant is rare. At this time, the clinical significance of this variant is uncertain due to the absence of conclusive functional and genetic evidence.

NM_005159.5(ACTC1):c.40A>C (p.Asn14His)

Genes: ACTC1 (actin alpha cardiac muscle 1; minus strand), GJD2-DT (GJD2 divergent transcript; plus strand). Cytogenetic location: 15q14.
Variant type: single nucleotide variant.
Coding change: c.40A>C on transcript NM_005159.5 (MANE Select); coding-DNA position 40, A replaced by C.
Protein change: p.Asn14His; replaces asparagine 14 with histidine.
Molecular consequence: missense variant.
Genome position (GRCh38, 1-based): chr15:34,794,769, T>G on the plus strand (A>C on the coding strand, the complement: ACTC1 is on the minus strand). VCF-style: chr15-34794769-T-G. GRCh37 (hg19) VCF-style: chr15-35086970-T-G.
Other names: c.40A>C, p.Asn14His (NM_001406482.1, NM_001406483.1); short protein forms N14H.
Identifiers: ClinVar variation 3346868 (VCV003346868.2).
Genomic context (GRCh38, chr15:34,794,769, plus strand): 5'-GGAAGACAGCGCGGGGCGCGTCATCGCCCGCAAAGCCGGCCTTCACCAGCCCAGAGCCGT[T>G]GTCGCACACCAGGGCGGTGGTCTCCTCGTCGTCACACATCTTGGCACAGCTTCAGGGGGT-3'
Protein context (NP_005150.1, residues 4-24): DEETTALVCD[Asn14His]GSGLVKAGFA